The following is an entry in ClinVar:

ClinVar aggregate classification (germline): Uncertain significance. Review status: criteria provided, multiple submitters, no conflicts (2 of 4 stars). 2 submissions from 2 submitters: Uncertain significance (2). Last evaluated 2022-08-09.

Conditions:
Early-infantile DEE. Also called: Early infantile epileptic encephalopathy; Ohtahara syndrome; Early infantile epileptic encephalopathy with suppression bursts. Identifiers: Orphanet 1934, MedGen C0393706, MONDO:0800491.
Inborn genetic diseases. Identifiers: MedGen C0950123, MeSH D030342.

Allele frequency attached by ClinVar (database versions not stated): TOPMed below 0.00001; gnomAD 0.00001.
gnomAD v4.1: 1 of 1,558,874 alleles (0.000064%); highest among the groups gnomAD compares: Admixed American, 0.0019%; no homozygotes.

Submissions (2):

Labcorp Genetics (formerly Invitae), Labcorp
Classification: Uncertain significance for Early-infantile DEE. Last evaluated: 2022-08-09. Review status: criteria provided, single submitter. Criteria: Invitae Variant Classification Sherloc (09022015). Collection method: clinical testing. Allele origin: germline.
Comment: This sequence change replaces isoleucine, which is neutral and non-polar, with valine, which is neutral and non-polar, at codon 6 of the SLC25A22 protein (p.Ile6Val). Algorithms developed to predict the effect of missense changes on protein structure and function (SIFT, PolyPhen-2, Align-GVGD) all suggest that this variant is likely to be tolerated. Algorithms developed to predict the effect of sequence changes on RNA splicing suggest that this variant may disrupt the consensus splice site. In summary, the available evidence is currently insufficient to determine the role of this variant in disease. Therefore, it has been classified as a Variant of Uncertain Significance. ClinVar contains an entry for this variant (Variation ID: 1417329). This variant is not present in population databases (gnomAD no frequency). This variant has not been reported in the literature in individuals affected with SLC25A22-related conditions.

Ambry Genetics
Classification: Uncertain significance for Inborn genetic diseases. Last evaluated: 2018-02-12. Review status: criteria provided, single submitter. Criteria: Ambry Variant Classification Scheme 2023. Collection method: clinical testing. Allele origin: germline.
Comment: The p.I6V variant (also known as c.16A>G), located in coding exon 1 of the SLC25A22 gene, results from an A to G substitution at nucleotide position 16. The isoleucine at codon 6 is replaced by valine, an amino acid with highly similar properties. This amino acid position is well conserved in available vertebrate species. In addition, this alteration is predicted to be tolerated by in silico analysis. Since supporting evidence is limited at this time, the clinical significance of this alteration remains unclear.

NM_001191061.2(SLC25A22):c.16A>G (p.Ile6Val)

Gene: SLC25A22 (solute carrier family 25 member 22; minus strand). Cytogenetic location: 11p15.5.
Variant type: single nucleotide variant.
Coding change: c.16A>G on transcript NM_001191061.2 (MANE Select); coding-DNA position 16, A replaced by G.
Protein change: p.Ile6Val; replaces isoleucine 6 with valine.
Molecular consequence: missense variant.
Genome position (GRCh38, 1-based): chr11:794,991, T>C on the plus strand (A>G on the coding strand, the complement: SLC25A22 is on the minus strand). VCF-style: chr11-794991-T-C. GRCh37 (hg19) VCF-style: chr11-794991-T-C.
Other names: c.16A>G, p.Ile6Val (NM_001191060.2, NM_024698.6); short protein forms I6V.
Identifiers: ClinVar variation 1417329 (VCV001417329.9), dbSNP rs1362967882, ClinGen allele CA378922613.